The following is an entry in ClinVar:

ClinVar aggregate classification (germline): Uncertain significance. Review status: criteria provided, multiple submitters, no conflicts (2 of 4 stars). 2 submissions from 2 submitters: Uncertain significance (2). Last evaluated 2025-07-02.

Conditions:
Cardiovascular phenotype. Identifiers: MedGen CN230736.
Capillary malformation-arteriovenous malformation syndrome. Also called: Capillary malformation-arteriovenous malformation. Identifiers: Orphanet 137667, MedGen C1842180, MONDO:0012016.

Allele frequency attached by ClinVar (database versions not stated): gnomAD 0.00001; 1000 Genomes Project 30x 0.00016; 1000 Genomes Project 0.00020.
gnomAD v4.1: 4 of 1,611,298 alleles (0.00025%); highest among the groups gnomAD compares: East Asian, 0.0022%; no homozygotes.

Submissions (2):

Labcorp Genetics (formerly Invitae), Labcorp
Classification: Uncertain significance for Capillary malformation-arteriovenous malformation syndrome. Last evaluated: 2025-07-02. Review status: criteria provided, single submitter. Criteria: Invitae Variant Classification Sherloc (09022015). Collection method: clinical testing. Allele origin: germline.
Comment: This sequence change replaces arginine, which is basic and polar, with glutamine, which is neutral and polar, at codon 414 of the RASA1 protein (p.Arg414Gln). This variant is not present in population databases (gnomAD no frequency). This variant has not been reported in the literature in individuals affected with RASA1-related conditions. ClinVar contains an entry for this variant (Variation ID: 1758462). An algorithm developed to predict the effect of missense changes on protein structure and function (PolyPhen-2) suggests that this variant is likely to be disruptive. In summary, the available evidence is currently insufficient to determine the role of this variant in disease. Therefore, it has been classified as a Variant of Uncertain Significance.

Ambry Genetics
Classification: Uncertain significance for Cardiovascular phenotype. Last evaluated: 2021-08-07. Review status: criteria provided, single submitter. Criteria: Ambry Variant Classification Scheme 2023. Collection method: clinical testing. Allele origin: germline.
Comment: The p.R414Q variant (also known as c.1241G>A), located in coding exon 8 of the RASA1 gene, results from a G to A substitution at nucleotide position 1241. The arginine at codon 414 is replaced by glutamine, an amino acid with highly similar properties. This amino acid position is conserved. In addition, this alteration is predicted to be deleterious by in silico analysis. Since supporting evidence is limited at this time, the clinical significance of this alteration remains unclear.

NM_002890.3(RASA1):c.1241G>A (p.Arg414Gln)

Genes: CCNH (cyclin H; minus strand), RASA1 (RAS p21 protein activator 1; plus strand). Cytogenetic location: 5q14.3.
Variant type: single nucleotide variant.
Coding change: c.1241G>A on transcript NM_002890.3 (MANE Select); coding-DNA position 1241, G replaced by A.
Protein change: p.Arg414Gln; replaces arginine 414 with glutamine.
Molecular consequence: missense variant. On other transcripts: intron variant (1).
Genome position (GRCh38, 1-based): chr5:87,349,352, G>A. VCF-style: chr5-87349352-G-A. GRCh37 (hg19) VCF-style: chr5-86645169-G-A.
Other names: c.710G>A, p.Arg237Gln (NM_022650.3); c.934-36557C>T (NM_001364075.2); short protein forms R237Q, R414Q.
Identifiers: ClinVar variation 1758462 (VCV001758462.6), dbSNP rs191759701, ClinGen allele CA121789960.